The following is an entry in ClinVar:

ClinVar aggregate classification (germline): Uncertain significance (1 of 4 stars; one submission).

Conditions:
Candidiasis, familial, 6 (CANDF6). Also called: Candidiasis, familial, 6, autosomal dominant. Identifiers: Orphanet 1334, MedGen C3151405, MONDO:0013503, OMIM 613956.

gnomAD v4.1: 1 of 1,611,918 alleles (0.000062%); highest among the groups gnomAD compares: Middle Eastern, 0.02%; no homozygotes.

Submission:

Labcorp Genetics (formerly Invitae), Labcorp
Classification: Uncertain significance for Candidiasis, familial, 6. Last evaluated: 2024-08-14. Review status: criteria provided, single submitter. Criteria: Invitae Variant Classification Sherloc (09022015). Collection method: clinical testing. Allele origin: germline.
Comment: This sequence change falls in intron 1 of the IL17F gene. It does not directly change the encoded amino acid sequence of the IL17F protein. This variant is not present in population databases (gnomAD no frequency). This variant has not been reported in the literature in individuals affected with IL17F-related conditions. Algorithms developed to predict the effect of sequence changes on RNA splicing suggest that this variant may disrupt the consensus splice site. In summary, the available evidence is currently insufficient to determine the role of this variant in disease. Therefore, it has been classified as a Variant of Uncertain Significance.

NM_052872.4(IL17F):c.34-8T>G

Gene: IL17F (interleukin 17F; minus strand). Cytogenetic location: 6p12.2.
Variant type: single nucleotide variant.
Coding change: c.34-8T>G on transcript NM_052872.4 (MANE Select); 8 bases into the intron before coding-DNA position 34, T replaced by G.
Molecular consequence: intron variant.
Genome position (GRCh38, 1-based): chr6:52,238,958, A>C on the plus strand (T>G on the coding strand, the complement: IL17F is on the minus strand). VCF-style: chr6-52238958-A-C. GRCh37 (hg19) VCF-style: chr6-52103756-A-C.
Identifiers: ClinVar variation 3679246 (VCV003679246.2).